The following is an entry in ClinVar:

NM_001111.5(ADAR):c.2035G>A (p.Ala679Thr)

Gene: ADAR (adenosine deaminase RNA specific; minus strand). Cytogenetic location: 1q21.3.
Variant type: single nucleotide variant.
Coding change: c.2035G>A on transcript NM_001111.5 (MANE Select); coding-DNA position 2035, G replaced by A.
Protein change: p.Ala679Thr; replaces alanine 679 with threonine.
Molecular consequence: missense variant.
Genome position (GRCh38, 1-based): chr1:154,597,167, C>T on the plus strand (G>A on the coding strand, the complement: ADAR is on the minus strand). VCF-style: chr1-154597167-C-T. GRCh37 (hg19) VCF-style: chr1-154569643-C-T.
Other names: c.1150G>A, p.Ala384Thr (NM_001025107.3, NM_001193495.2, NM_001365046.1 and 3 more transcripts); c.2062G>A, p.Ala688Thr (NM_001365045.1); c.2035G>A, p.Ala679Thr (NM_015840.4, NM_015841.4); short protein forms A384T, A688T, A679T.
Identifiers: ClinVar variation 2100322 (VCV002100322.4), dbSNP rs2526594798, ClinGen allele CA342638169.
Genomic context (GRCh38, chr1:154,597,167, plus strand): 5'-TAGGAAAACGCCCTACCTGGTTATCAGAAGCCATGGAGTTGGTCGCCTCCCCATGCAGGG[C>T]CTTCATGGCTTCCTCTGCGGCCATCTGCTTTGCCACTTTCTTGCTGGGAGCACTCACACT-3'
Protein context (NP_001102.3, residues 669-689): KQMAAEEAMK[Ala679Thr]LHGEATNSMA

ClinVar aggregate classification (germline): Uncertain significance (1 of 4 stars; one submission).

Conditions:
Symmetrical dyschromatosis of extremities (DSH). Also called: RETICULATE ACROPIGMENTATION OF DOHI; SYMMETRIC DYSCHROMATOSIS OF THE EXTREMITIES; Dyschromatosis symmetrica hereditaria; DYSCHROMATOSIS SYMMETRICA HEREDITARIA 1. Identifiers: Orphanet 41, MedGen C0406775, MONDO:0007483, OMIM 127400.
Aicardi-Goutieres syndrome 6 (AGS6). Identifiers: Orphanet 51, MedGen C3539013, MONDO:0014007, OMIM 615010.

Submission:

Labcorp Genetics (formerly Invitae), Labcorp
Classification: Uncertain significance for Aicardi-Goutieres syndrome 6; Symmetrical dyschromatosis of extremities. Last evaluated: 2022-04-17. Review status: criteria provided, single submitter. Criteria: Invitae Variant Classification Sherloc (09022015). Collection method: clinical testing. Allele origin: germline.
Comment: This variant has not been reported in the literature in individuals affected with ADAR-related conditions. This variant is not present in population databases (gnomAD no frequency). This sequence change replaces alanine, which is neutral and non-polar, with threonine, which is neutral and polar, at codon 679 of the ADAR protein (p.Ala679Thr). Algorithms developed to predict the effect of missense changes on protein structure and function are either unavailable or do not agree on the potential impact of this missense change (SIFT: "Tolerated"; PolyPhen-2: "Possibly Damaging"; Align-GVGD: "Class C0"). In summary, the available evidence is currently insufficient to determine the role of this variant in disease. Therefore, it has been classified as a Variant of Uncertain Significance.